The following is an entry in ClinVar:

ClinVar aggregate classification (germline): Uncertain significance (1 of 4 stars; one submission).

Submission:

Labcorp Genetics (formerly Invitae), Labcorp
Classification: Uncertain significance. Last evaluated: 2022-05-27. Review status: criteria provided, single submitter. Criteria: Invitae Variant Classification Sherloc (09022015). Collection method: clinical testing. Allele origin: germline.
Comment: This variant is not present in population databases (gnomAD no frequency). In summary, the available evidence is currently insufficient to determine the role of this variant in disease. Therefore, it has been classified as a Variant of Uncertain Significance. Algorithms developed to predict the effect of missense changes on protein structure and function are either unavailable or do not agree on the potential impact of this missense change (SIFT: "Not Available"; PolyPhen-2: "Benign"; Align-GVGD: "Not Available"). This variant has not been reported in the literature in individuals affected with VPS13D-related conditions. This sequence change replaces asparagine, which is neutral and polar, with lysine, which is basic and polar, at codon 4029 of the VPS13D protein (p.Asn4029Lys).

NM_015378.4(VPS13D):c.12087T>A (p.Asn4029Lys)

Gene: VPS13D (vacuolar protein sorting 13 homolog D; plus strand). Cytogenetic location: 1p36.22.
Variant type: single nucleotide variant.
Coding change: c.12087T>A on transcript NM_015378.4 (MANE Select); coding-DNA position 12087, T replaced by A.
Protein change: p.Asn4029Lys; replaces asparagine 4029 with lysine.
Molecular consequence: missense variant.
Genome position (GRCh38, 1-based): chr1:12,415,143, T>A. VCF-style: chr1-12415143-T-A. GRCh37 (hg19) VCF-style: chr1-12475196-T-A.
Other names: c.12012T>A, p.Asn4004Lys (NM_018156.4); short protein forms N4029K, N4004K.
Identifiers: ClinVar variation 1999282 (VCV001999282.4), dbSNP rs2521631810, ClinGen allele CA338488604.